The following is an entry in ClinVar:

NM_001042492.3(NF1):c.7371_7372del (p.His2457fs)

Gene: NF1 (neurofibromin 1; plus strand). Cytogenetic location: 17q11.2.
Variant type: Deletion.
Coding change: c.7371_7372del on transcript NM_001042492.3 (MANE Select); coding-DNA positions 7371 to 7372, 2 bases deleted (TA; older notation c.7371_7372delTA).
Protein change: p.His2457fs; shifts the reading frame from histidine 2457.
Molecular consequence: frameshift variant.
Genome position (GRCh38, 1-based): chr17:31,350,232-31,350,233, TA deleted; deleting any 2 consecutive bases within chr17:31,350,231-31,350,233 gives the same sequence; the c. name uses the placement nearest the transcript's 3' end. VCF-style (leftmost placement, unchanged base first): chr17-31350230-CAT-C. GRCh37 (hg19) VCF-style: chr17-29677248-CAT-C.
Other names: c.7308_7309delTA (NM_000267.3); c.7308_7309delTA, p.His2436Glnfs (NM_000267.4); short protein forms H2457fs, H2436fs.
Identifiers: ClinVar variation 2736581 (VCV002736581.6), dbSNP rs2508805509, ClinGen allele CA645572267.

ClinVar aggregate classification (germline): Pathogenic. Review status: criteria provided, multiple submitters, no conflicts (2 of 4 stars). 4 submissions from 4 submitters: Pathogenic (4). Last evaluated 2026-06-26.

Conditions:
Neurofibromatosis, type 1 (NF1). Also called: VON RECKLINGHAUSEN DISEASE; Peripheral type neurofibromatosis; NEUROFIBROMATOSIS, TYPE I, SOMATIC; Neurofibromatosis, type I. Identifiers: Orphanet 636, MedGen C0027831, MONDO:0018975, OMIM 162200. Disease mechanism: loss of function.
Hereditary cancer-predisposing syndrome. Also called: Hereditary Cancer Syndrome; Hereditary neoplastic syndrome; Neoplastic Syndromes, Hereditary; Tumor predisposition. Identifiers: Orphanet 140162, MedGen C0027672, MeSH D009386, MONDO:0015356.
Cardiovascular phenotype. Identifiers: MedGen CN230736.
NF1-related disorder. Also called: NF1-related condition. Identifiers: MedGen CN379171.

Submissions (4):

Ambry Genetics
Classification: Pathogenic for Cardiovascular phenotype; Hereditary cancer-predisposing syndrome. Last evaluated: 2026-06-26. Review status: criteria provided, single submitter. Criteria: Ambry Variant Classification Scheme 2023. Collection method: clinical testing. Allele origin: germline.
Comment: The c.7308_7309delTA pathogenic mutation, located in coding exon 49 of the NF1 gene, results from a deletion of two nucleotides at nucleotide positions 7308 to 7309, causing a translational frameshift with a predicted alternate stop codon (p.H2436Qfs*8). This variant was reported in individual(s) with features consistent with Neurofibromatosis type 1 (Ambry internal data). This variant is considered to be rare based on population cohorts in the Genome Aggregation Database (gnomAD). This variant is expected to result in loss of function by premature protein truncation or nonsense-mediated mRNA decay. As such, this variant is interpreted as a disease-causing mutation.

GeneDx
Classification: Pathogenic. Last evaluated: 2024-03-06. Review status: criteria provided, single submitter. Criteria: GeneDx Variant Classification Process June 2021. Collection method: clinical testing. Allele origin: germline. Affected: yes.
Comment: Frameshift variant predicted to result in protein truncation or nonsense mediated decay in a gene for which loss of function is a known mechanism of disease; Not observed at significant frequency in large population cohorts (gnomAD); This variant is associated with the following publications: (PMID: 23758643, 23832011)

Labcorp Genetics (formerly Invitae), Labcorp
Classification: Pathogenic for Neurofibromatosis, type 1. Last evaluated: 2023-10-05. Review status: criteria provided, single submitter. Criteria: Invitae Variant Classification Sherloc (09022015). Collection method: clinical testing. Allele origin: germline.
Comment: This sequence change creates a premature translational stop signal (p.His2436Glnfs*8) in the NF1 gene. It is expected to result in an absent or disrupted protein product. Loss-of-function variants in NF1 are known to be pathogenic (PMID: 10712197, 23913538). This variant is not present in population databases (gnomAD no frequency). This premature translational stop signal has been observed in individual(s) with neurofibromatosis type 1 (PMID: 23758643). For these reasons, this variant has been classified as Pathogenic.

Blueprint Genetics
Classification: Pathogenic for NF1-related disorders. Last evaluated: 2021-04-01. Review status: criteria provided, single submitter. Criteria: ACMG Guidelines, 2015. Collection method: clinical testing. Allele origin: germline. Affected: yes. Observed: 1 variant allele.

Literature cited by the submitters: PubMed 10712197 (cited by Labcorp Genetics (formerly Invitae), Labcorp); PubMed 23913538 (cited by Labcorp Genetics (formerly Invitae), Labcorp); PubMed 23758643 (cited by Labcorp Genetics (formerly Invitae), Labcorp).